The following is an entry in ClinVar:

NM_001379081.2(FREM1):c.4906C>G (p.Pro1636Ala)

Gene: FREM1 (FRAS1 related extracellular matrix 1; minus strand). Cytogenetic location: 9p22.3.
Variant type: single nucleotide variant.
Coding change: c.4906C>G on transcript NM_001379081.2 (MANE Select); coding-DNA position 4906, C replaced by G.
Protein change: p.Pro1636Ala; replaces proline 1636 with alanine.
Molecular consequence: missense variant. On other transcripts: non-coding transcript variant (2).
Genome position (GRCh38, 1-based): chr9:14,770,758, G>C on the plus strand (C>G on the coding strand, the complement: FREM1 is on the minus strand). VCF-style: chr9-14770758-G-C. GRCh37 (hg19) VCF-style: chr9-14770756-G-C.
Other names: c.514C>G, p.Pro172Ala (NM_001177704.3, NM_001370058.2, NM_001370061.2); c.4906C>G, p.Pro1636Ala (NM_144966.7); short protein forms P1636A, P172A.
Identifiers: ClinVar variation 3699331 (VCV003699331.2).
Genomic context (GRCh38, chr9:14,770,758, plus strand): 5'-ACACGCGGGAAGTGATGTAAATCCCGTAGCAGCCATTTTTCAGGAGCCCCACTTGAGAAG[G>C]GGAATGCAAGAGTGTGATACGAGGAGCTGTTTTGTCCAATTGGTCTACCTGGATCATCAA-3'
Protein context (NP_001366010.1, residues 1626-1646): TAPRITLLHS[Pro1636Ala]SQVGLLKNGC

ClinVar aggregate classification (germline): Uncertain significance (1 of 4 stars; one submission).

gnomAD v4.1: 2 of 1,613,330 alleles (0.00012%); highest among the groups gnomAD compares: African/African-American, 0.0013%; no homozygotes.

Submission:

Labcorp Genetics (formerly Invitae), Labcorp
Classification: Uncertain significance. Last evaluated: 2024-11-04. Review status: criteria provided, single submitter. Criteria: Invitae Variant Classification Sherloc (09022015). Collection method: clinical testing. Allele origin: germline.
Comment: This sequence change replaces proline, which is neutral and non-polar, with alanine, which is neutral and non-polar, at codon 1636 of the FREM1 protein (p.Pro1636Ala). This variant is not present in population databases (gnomAD no frequency). This variant has not been reported in the literature in individuals affected with FREM1-related conditions. An algorithm developed to predict the effect of missense changes on protein structure and function outputs the following: PolyPhen-2: "Benign". The alanine amino acid residue is found in multiple mammalian species, which suggests that this missense change does not adversely affect protein function. In summary, the available evidence is currently insufficient to determine the role of this variant in disease. Therefore, it has been classified as a Variant of Uncertain Significance.